The following is an entry in ClinVar:

ClinVar aggregate classification (germline): Pathogenic. Review status: criteria provided, multiple submitters, no conflicts (2 of 4 stars). 2 submissions from 2 submitters: Pathogenic (2). Last evaluated 2022-04-19.

Conditions:
Hereditary cancer-predisposing syndrome. Also called: Hereditary Cancer Syndrome; Tumor predisposition; Neoplastic Syndromes, Hereditary; Hereditary neoplastic syndrome. Identifiers: Orphanet 140162, MedGen C0027672, MeSH D009386, MONDO:0015356.
Hereditary breast ovarian cancer syndrome. Also called: Hereditary breast and ovarian cancer syndrome; Hereditary breast and ovarian cancer; Hereditary breast and ovarian cancer syndrome (HBOC); BRCA1- and BRCA2-Associated Hereditary Breast and Ovarian Cancer; Hereditary breast and/or ovarian cancer syndrome; Breast and ovarian cancer. Identifiers: Orphanet 145, MedGen C0677776, MeSH D061325, MONDO:0003582. Disease mechanism: loss of function.

Submissions (2):

National Health Laboratory Service, Universitas Academic Hospital and University of the Free State
Classification: Pathogenic for Hereditary breast ovarian cancer syndrome. Last evaluated: 2022-04-19. Review status: criteria provided, single submitter. Criteria: ACMG Guidelines, 2015. Collection method: clinical testing. Allele origin: germline. Affected: yes. Observed: 3 variant alleles.

Ambry Genetics
Classification: Pathogenic for Hereditary cancer-predisposing syndrome. Last evaluated: 2017-05-10. Review status: criteria provided, single submitter. Criteria: Ambry Variant Classification Scheme 2023. Collection method: clinical testing. Allele origin: germline.
Comment: The c.4308_4309delTT pathogenic mutation, located in coding exon 11 of the BRCA1 gene, results from a deletion of two nucleotides at nucleotide positions 4308 to 4309, causing a translational frameshift with a predicted alternate stop codon (p.S1437Cfs*3). This alteration is expected to result in loss of function by premature protein truncation or nonsense-mediated mRNA decay. As such, this alteration is interpreted as a disease-causing mutation.

Literature cited by the submitters: DOI 10.3389/fgene.2022.834265 (cited by National Health Laboratory Service, Universitas Academic Hospital and University of the Free State).

NM_007294.4(BRCA1):c.4308_4309del (p.Ser1437fs)

Gene: BRCA1 (BRCA1 DNA repair associated; minus strand). Cytogenetic location: 17q21.31.
Variant type: Deletion.
Coding change: c.4308_4309del on transcript NM_007294.4 (MANE Select); coding-DNA positions 4308 to 4309, 2 bases deleted (TT; older notation c.4308_4309delTT).
Protein change: p.Ser1437fs; shifts the reading frame from serine 1437.
Molecular consequence: frameshift variant. On other transcripts: non-coding transcript variant (1).
Genome position (GRCh38, 1-based): chr17:43,082,452-43,082,453, AA deleted on the plus strand (TT on the coding strand, the reverse complement: BRCA1 is on the minus strand). VCF-style (leftmost placement, unchanged base first): chr17-43082451-GAA-G. GRCh37 (hg19) VCF-style: chr17-41234468-GAA-G.
Other names: NP_009225.1:p.Ser1437CysfsTer3; c.4305_4306delTT, p.Ser1436Cysfs (NM_001407611.1, NM_001407612.1, NM_001407613.1 and 21 more transcripts); c.4308_4309delTT, p.Ser1437Cysfs (NM_001407616.1, NM_001407617.1, NM_001407620.1 and 22 more transcripts); c.4302_4303delTT, p.Ser1435Cysfs (NM_001407628.1, NM_001407627.1, NM_001407629.1 and 5 more transcripts); c.4095_4096delTT, p.Ser1366Cysfs (NM_001407571.1, NM_001407853.1, NM_001407894.1 and 12 more transcripts); c.4296_4297delTT, p.Ser1433Cysfs (NM_001407646.1, NM_001407647.1); c.4185_4186delTT, p.Ser1396Cysfs (NM_001407648.1, NM_001407664.1, NM_001407665.1 and 13 more transcripts); c.4182_4183delTT, p.Ser1395Cysfs (NM_001407649.1, NM_001407670.1, NM_001407671.1 and 12 more transcripts); and 55 more; short protein forms S1390fs, S1437fs, S334fs.
Identifiers: ClinVar variation 1325658 (VCV001325658.4), dbSNP rs2154149764, ClinGen allele CA2573154021.